The following is an entry in ClinVar:

NM_003922.4(HERC1):c.8626G>A (p.Val2876Ile)

Gene: HERC1 (HECT and RLD domain containing E3 ubiquitin protein ligase family member 1; minus strand). Cytogenetic location: 15q22.31.
Variant type: single nucleotide variant.
Coding change: c.8626G>A on transcript NM_003922.4 (MANE Select); coding-DNA position 8626, G replaced by A.
Protein change: p.Val2876Ile; replaces valine 2876 with isoleucine.
Molecular consequence: missense variant.
Genome position (GRCh38, 1-based): chr15:63,664,524, C>T on the plus strand (G>A on the coding strand, the complement: HERC1 is on the minus strand). VCF-style: chr15-63664524-C-T. GRCh37 (hg19) VCF-style: chr15-63956723-C-T.
Other names: c.8626G>A (NM_003922.3); short protein forms V2876I.
Identifiers: ClinVar variation 2161773 (VCV002161773.3), dbSNP rs773703056, ClinGen allele CA7604888.

ClinVar aggregate classification (germline): Uncertain significance. Review status: criteria provided, multiple submitters, no conflicts (2 of 4 stars). 2 submissions from 2 submitters: Uncertain significance (2). Last evaluated 2025-11-07.

Conditions:
Inborn genetic diseases. Identifiers: MedGen C0950123, MeSH D030342.

Allele frequency attached by ClinVar (database versions not stated): TOPMed 0.00010; ExAC 0.00001; gnomAD exomes below 0.00001.
gnomAD v4.1: 14 of 1,613,588 alleles (0.00087%); highest among the groups gnomAD compares: African/African-American, 0.016%; no homozygotes.

Submissions (2):

Ambry Genetics
Classification: Uncertain significance for Inborn genetic diseases. Last evaluated: 2025-11-07. Review status: criteria provided, single submitter. Criteria: Ambry Variant Classification Scheme 2023. Collection method: clinical testing. Allele origin: germline.

Labcorp Genetics (formerly Invitae), Labcorp
Classification: Uncertain significance. Last evaluated: 2022-03-26. Review status: criteria provided, single submitter. Criteria: Invitae Variant Classification Sherloc (09022015). Collection method: clinical testing. Allele origin: germline.
Comment: Algorithms developed to predict the effect of missense changes on protein structure and function are either unavailable or do not agree on the potential impact of this missense change (SIFT: "Deleterious"; PolyPhen-2: "Benign"; Align-GVGD: "Class C25"). This variant has not been reported in the literature in individuals affected with HERC1-related conditions. This variant is present in population databases (rs773703056, gnomAD 0.02%). This sequence change replaces valine, which is neutral and non-polar, with isoleucine, which is neutral and non-polar, at codon 2876 of the HERC1 protein (p.Val2876Ile). In summary, the available evidence is currently insufficient to determine the role of this variant in disease. Therefore, it has been classified as a Variant of Uncertain Significance.